The following is an entry in ClinVar:

NM_017563.5(IL17RD):c.1545C>T (p.Asp515=)

Genes: IL17RD (interleukin 17 receptor D; minus strand), LOC126806689 (BRD4-independent group 4 enhancer GRCh37_chr3:57131244-57132443; plus strand). Cytogenetic location: 3p14.3.
Variant type: single nucleotide variant.
Coding change: c.1545C>T on transcript NM_017563.5 (MANE Select); coding-DNA position 1545, C replaced by T.
Protein change: p.Asp515=; no amino-acid change (aspartic acid 515 retained).
Molecular consequence: synonymous variant.
Genome position (GRCh38, 1-based): chr3:57,098,158, G>A on the plus strand (C>T on the coding strand, the complement: IL17RD is on the minus strand). VCF-style: chr3-57098158-G-A. GRCh37 (hg19) VCF-style: chr3-57132186-G-A.
Other names: c.1113C>T, p.Asp371= (NM_001318864.2).
Identifiers: ClinVar variation 712436 (VCV000712436.14), dbSNP rs17057695, ClinGen allele CA2462710.

ClinVar aggregate classification (germline): Benign/Likely benign. Review status: criteria provided, multiple submitters, no conflicts (2 of 4 stars). 4 submissions from 4 submitters: Benign (1); Likely benign (2). 1 of the submissions does not count toward it. Last evaluated 2025-11-10.

Conditions:
IL17RD-related disorder. Also called: IL17RD-related condition.

Allele frequency attached by ClinVar (database versions not stated): gnomAD exomes 0.00091 and 0.00237; ExAC 0.00297; gnomAD 0.00977 and 0.01048; 1000 Genomes Project 0.01038; ESP Exome Variant Server 0.01069; TOPMed 0.01086; 1000 Genomes Project 30x 0.01109.
gnomAD v4.1: 2,838 of 1,614,006 alleles (0.18%); highest among the groups gnomAD compares: African/African-American, 3.4%; 34 homozygotes.

Submissions (4):

Labcorp Genetics (formerly Invitae), Labcorp
Classification: Benign. Last evaluated: 2025-11-10. Review status: criteria provided, single submitter. Criteria: Invitae Variant Classification Sherloc (09022015). Collection method: clinical testing. Allele origin: germline.

GeneDx
Classification: Likely benign. Last evaluated: 2019-06-12. Review status: criteria provided, single submitter. Criteria: GeneDx Variant Classification Process June 2021. Collection method: clinical testing. Allele origin: germline. Affected: yes.

Breakthrough Genomics
Classification: Likely benign. Review status: criteria provided, single submitter. Criteria: ACMG Guidelines, 2015. Collection method: not provided. Allele origin: germline. Inheritance: Autosomal dominant inheritance. Affected: yes.

PreventionGenetics, part of Exact Sciences
Classification: Benign for IL17RD-related condition. Last evaluated: 2019-05-15. Review status: no assertion criteria provided. Collection method: clinical testing. Allele origin: germline. Not counted in ClinVar's aggregate classification.
Comment: This variant is classified as benign based on ACMG/AMP sequence variant interpretation guidelines (Richards et al. 2015 PMID: 25741868, with internal and published modifications).